The following is an entry in ClinVar:

ClinVar aggregate classification (germline): Uncertain significance (1 of 4 stars; one submission).

Allele frequency attached by ClinVar (database versions not stated): ExAC 0.00001; TOPMed 0.00001.
gnomAD v4.1: 8 of 1,418,508 alleles (0.00056%); highest among the groups gnomAD compares: Non-Finnish European, 0.00078%; no homozygotes.

Submission:

Labcorp Genetics (formerly Invitae), Labcorp
Classification: Uncertain significance. Last evaluated: 2025-03-17. Review status: criteria provided, single submitter. Criteria: Invitae Variant Classification Sherloc (09022015). Collection method: clinical testing. Allele origin: germline.
Comment: This sequence change replaces valine, which is neutral and non-polar, with leucine, which is neutral and non-polar, at codon 68 of the MAK protein (p.Val68Leu). This variant is present in population databases (rs767920227, gnomAD 0.004%). This variant has not been reported in the literature in individuals affected with MAK-related conditions. ClinVar contains an entry for this variant (Variation ID: 1924546). Invitae Evidence Modeling of protein sequence and biophysical properties (such as structural, functional, and spatial information, amino acid conservation, physicochemical variation, residue mobility, and thermodynamic stability) indicates that this missense variant is not expected to disrupt MAK protein function with a negative predictive value of 80%. In summary, the available evidence is currently insufficient to determine the role of this variant in disease. Therefore, it has been classified as a Variant of Uncertain Significance.

NM_001242957.3(MAK):c.202G>C (p.Val68Leu)

Gene: MAK (male germ cell associated kinase; minus strand). Cytogenetic location: 6p24.2.
Variant type: single nucleotide variant.
Coding change: c.202G>C on transcript NM_001242957.3 (MANE Select); coding-DNA position 202, G replaced by C.
Protein change: p.Val68Leu; replaces valine 68 with leucine.
Molecular consequence: missense variant. On other transcripts: non-coding transcript variant (2).
Genome position (GRCh38, 1-based): chr6:10,817,926, C>G on the plus strand (G>C on the coding strand, the complement: MAK is on the minus strand). VCF-style: chr6-10817926-C-G. GRCh37 (hg19) VCF-style: chr6-10818159-C-G.
Other names: c.202G>C, p.Val68Leu (NM_001242385.2, NM_005906.6); c.100G>C, p.Val34Leu (NM_001377262.1); short protein forms V68L, V34L.
Identifiers: ClinVar variation 1924546 (VCV001924546.3), dbSNP rs767920227, ClinGen allele CA3633788.
Genomic context (GRCh38, chr6:10,817,926, plus strand): 5'-GATAGAGGTTTTCTTTCATATATTCAAATATAAAATAAAGATGGTCATTTTCTCTGATAA[C>G]TTCTTTCAATTTAATAACATTGGCATGATTAAGTTTCTTCAGAGACTGAAAAATAACAAA-3'
Protein context (NP_001229886.1, residues 58-78): NHANVIKLKE[Val68Leu]IRENDHLYFI